The following is an entry in ClinVar:

NM_005216.5(DDOST):c.732C>A (p.Leu244=)

Gene: DDOST (dolichyl-diphosphooligosaccharide--protein glycosyltransferase non-catalytic subunit; minus strand). Cytogenetic location: 1p36.12.
Variant type: single nucleotide variant.
Coding change: c.732C>A on transcript NM_005216.5 (MANE Select); coding-DNA position 732, C replaced by A.
Protein change: p.Leu244=; no amino-acid change (leucine 244 retained).
Molecular consequence: synonymous variant.
Genome position (GRCh38, 1-based): chr1:20,654,285, G>T on the plus strand (C>A on the coding strand, the complement: DDOST is on the minus strand). VCF-style: chr1-20654285-G-T. GRCh37 (hg19) VCF-style: chr1-20980778-G-T.
Identifiers: ClinVar variation 387059 (VCV000387059.11), dbSNP rs149114970, ClinGen allele CA661137.
Genomic context (GRCh38, chr1:20,654,285, plus strand): 5'-CTGGGAGCCGGGCGCCGCCTTCTGCACTGCTGAGTTGAAGAAGGAGTCGCTGAAGAAGTC[G>T]AGGGAGCCGCTGAAGATGACGCGGGCATTGTTCCTGGCCTGGAGCCCAGCAATGAGGAGG-3'
Protein context (NP_005207.3, residues 234-254): NNARVIFSGS[Leu244=]DFFSDSFFNS

ClinVar aggregate classification (germline): Likely benign. Review status: criteria provided, multiple submitters, no conflicts (2 of 4 stars). 4 submissions from 4 submitters: Likely benign (3). 1 of the submissions does not count toward it. Last evaluated 2025-12-10.

Conditions:
DDOST-related disorder. Also called: DDOST-related condition.
Congenital disorder of glycosylation type Ir (CDG1R). Also called: DDOST-congenital disorder of glycosylation. Identifiers: Orphanet 300536, MedGen C3281084, MONDO:0013789, OMIM 614507.

Allele frequency attached by ClinVar (database versions not stated): TOPMed 0.00012; 1000 Genomes Project 30x 0.00016; ESP Exome Variant Server 0.00031.
gnomAD v4.1: 239 of 1,552,344 alleles (0.015%); highest among the groups gnomAD compares: Middle Eastern, 0.34%; 3 homozygotes.

Submissions (4):

Labcorp Genetics (formerly Invitae), Labcorp
Classification: Likely benign for Congenital disorder of glycosylation type Ir. Last evaluated: 2025-12-10. Review status: criteria provided, single submitter. Criteria: Invitae Variant Classification Sherloc (09022015). Collection method: clinical testing. Allele origin: germline.

GeneDx
Classification: Likely benign. Last evaluated: 2017-07-07. Review status: criteria provided, single submitter. Criteria: GeneDx Variant Classification (06012015). Collection method: clinical testing. Allele origin: germline. Affected: yes.
Comment: This variant is considered likely benign or benign based on one or more of the following criteria: it is a conservative change, it occurs at a poorly conserved position in the protein, it is predicted to be benign by multiple in silico algorithms, and/or has population frequency not consistent with disease.

Breakthrough Genomics
Classification: Likely benign. Review status: criteria provided, single submitter. Criteria: ACMG Guidelines, 2015. Collection method: not provided. Allele origin: germline. Inheritance: Autosomal recessive inheritance. Affected: yes.

PreventionGenetics, part of Exact Sciences
Classification: Likely benign for DDOST-related condition. Last evaluated: 2020-03-03. Review status: no assertion criteria provided. Collection method: clinical testing. Allele origin: germline. Not counted in ClinVar's aggregate classification.
Comment: This variant is classified as likely benign based on ACMG/AMP sequence variant interpretation guidelines (Richards et al. 2015 PMID: 25741868, with internal and published modifications).